The following is an entry in ClinVar:

NM_024598.4(USB1):c.620T>C (p.Phe207Ser)

Gene: USB1 (U6 snRNA biogenesis phosphodiesterase 1; plus strand). Cytogenetic location: 16q21.
Variant type: single nucleotide variant.
Coding change: c.620T>C on transcript NM_024598.4 (MANE Select); coding-DNA position 620, T replaced by C.
Protein change: p.Phe207Ser; replaces phenylalanine 207 with serine.
Molecular consequence: missense variant.
Genome position (GRCh38, 1-based): chr16:58,018,982, T>C. VCF-style: chr16-58018982-T-C. GRCh37 (hg19) VCF-style: chr16-58052886-T-C.
Other names: c.566T>C, p.Phe189Ser (NM_001195302.2); c.467T>C, p.Phe156Ser (NM_001330568.2); short protein forms F207S, F156S, F189S.
Identifiers: ClinVar variation 3813890 (VCV003813890.1).

ClinVar aggregate classification (germline): Uncertain significance (1 of 4 stars; one submission).

Conditions:
Inborn genetic diseases. Identifiers: MedGen C0950123, MeSH D030342.

Submission:

Ambry Genetics
Classification: Uncertain significance for Inborn genetic diseases. Last evaluated: 2025-02-05. Review status: criteria provided, single submitter. Criteria: Ambry Variant Classification Scheme 2023. Collection method: clinical testing. Allele origin: germline.
Comment: The p.F207S variant (also known as c.620T>C), located in coding exon 6 of the USB1 gene, results from a T to C substitution at nucleotide position 620. The phenylalanine at codon 207 is replaced by serine, an amino acid with highly dissimilar properties. This amino acid position is conserved. In addition, the in silico prediction for this alteration is inconclusive. Based on the available evidence, the clinical significance of this variant remains unclear.